The following is an entry in ClinVar:

ClinVar aggregate classification (germline): Conflicting classifications of pathogenicity. Review status: criteria provided, conflicting classifications (1 of 4 stars). 5 submissions from 5 submitters: Pathogenic (1); Likely pathogenic (3); Uncertain significance (1). Last evaluated 2025-12-30.

Conditions:
Familial juvenile hyperuricemic nephropathy type 1 (ADTKD1). Also called: Autosomal Dominant Tubulointerstitial Kidney Disease – UMOD; UMOD-Associated Kidney Disease; Uromodulin-associated kidney disease; Glomerulocystic kidney disease with hyperuricemia and isosthenuria; Medullary cystic kidney disease 2. Identifiers: Orphanet 209886, Orphanet 34149, Orphanet 88950, MedGen C4551496, MONDO:0008073, OMIM 162000.

Submissions (5):

Labcorp Genetics (formerly Invitae), Labcorp
Classification: Likely pathogenic. Last evaluated: 2025-12-30. Review status: criteria provided, single submitter. Criteria: Invitae Variant Classification Sherloc (09022015). Collection method: clinical testing. Allele origin: germline.
Comment: This sequence change replaces arginine, which is basic and polar, with proline, which is neutral and non-polar, at codon 178 of the UMOD protein (p.Arg178Pro). This variant is not present in population databases (gnomAD no frequency). This missense change has been observed in individuals with autosomal dominant tubulointerstitial kidney disease (PMID: 29212948; internal data). ClinVar contains an entry for this variant (Variation ID: 586921). Invitae Evidence Modeling of protein sequence and biophysical properties (such as structural, functional, and spatial information, amino acid conservation, physicochemical variation, residue mobility, and thermodynamic stability) indicates that this missense variant is not expected to disrupt UMOD protein function with a negative predictive value of 80%. In summary, the currently available evidence indicates that the variant is pathogenic, but additional data are needed to prove that conclusively. Therefore, this variant has been classified as Likely Pathogenic.

Fulgent Genetics
Classification: Pathogenic for Familial juvenile hyperuricemic nephropathy type 1. Last evaluated: 2024-06-20. Review status: criteria provided, single submitter. Criteria: ACMG Guidelines, 2015. Collection method: clinical testing. Allele origin: germline.

Mayo Clinic Laboratories, Mayo Clinic
Classification: Likely pathogenic. Last evaluated: 2023-03-16. Review status: criteria provided, single submitter. Criteria: ACMG Guidelines, 2015. Collection method: clinical testing. Allele origin: germline. Observed: 1 variant allele.
Comment: PM2_supporting, PS3_moderate, PS4

Revvity Omics, Revvity
Classification: Likely pathogenic for Familial juvenile hyperuricemic nephropathy type 1. Last evaluated: 2022-04-26. Review status: criteria provided, single submitter. Criteria: ACMG Guidelines, 2015. Collection method: clinical testing. Allele origin: germline.

Athena Diagnostics
Classification: Uncertain significance. Last evaluated: 2019-03-12. Review status: criteria provided, single submitter. Criteria: Athena Diagnostics Criteria. Collection method: clinical testing. Allele origin: germline.

Literature cited by the submitters: PubMed 29212948 (cited by 3 submitters); PubMed 32450155 (cited by Mayo Clinic Laboratories, Mayo Clinic); PubMed 32954071 (cited by Mayo Clinic Laboratories, Mayo Clinic).

NM_003361.4(UMOD):c.533G>C (p.Arg178Pro)

Gene: UMOD (uromodulin; minus strand). Cytogenetic location: 16p12.3.
Variant type: single nucleotide variant.
Coding change: c.533G>C on transcript NM_003361.4 (MANE Select); coding-DNA position 533, G replaced by C.
Protein change: p.Arg178Pro; replaces arginine 178 with proline.
Molecular consequence: missense variant. On other transcripts: non-coding transcript variant (1).
Genome position (GRCh38, 1-based): chr16:20,348,768, C>G on the plus strand (G>C on the coding strand, the complement: UMOD is on the minus strand). VCF-style: chr16-20348768-C-G. GRCh37 (hg19) VCF-style: chr16-20360090-C-G.
Other names: p.Arg178Pro; c.533G>C, p.Arg178Pro (NM_001008389.3, NM_001378232.1, NM_001378233.1 and 3 more transcripts); c.632G>C, p.Arg211Pro (NM_001278614.2); short protein forms R178P, R211P.
Identifiers: ClinVar variation 586921 (VCV000586921.16), dbSNP rs1228791562, ClinGen allele CA394985570.
Genomic context (GRCh38, chr16:20,348,768, plus strand): 5'-TCCGTGTCGCAGGCGTAGCCCTCCCCGTACTCGGTGCTGCGCCAGTACTCGTCCAGGGTG[C>G]GGTGCGCCTGGCACGGATCCGCGCACACGAGCGCGTCGCCCTCGGGCACGCAGTCCAACC-3'
Protein context (NP_003352.2, residues 168-188): LVCADPCQAH[Arg178Pro]TLDEYWRSTE